The following is an entry in ClinVar:

NM_152703.5(SAMD9L):c.1302T>A (p.Phe434Leu)

Gene: SAMD9L (sterile alpha motif domain containing 9 like; minus strand). Cytogenetic location: 7q21.2.
Variant type: single nucleotide variant.
Coding change: c.1302T>A on transcript NM_152703.5 (MANE Select); coding-DNA position 1302, T replaced by A.
Protein change: p.Phe434Leu; replaces phenylalanine 434 with leucine.
Molecular consequence: missense variant.
Genome position (GRCh38, 1-based): chr7:93,134,670, A>T on the plus strand (T>A on the coding strand, the complement: SAMD9L is on the minus strand). VCF-style: chr7-93134670-A-T. GRCh37 (hg19) VCF-style: chr7-92763983-A-T.
Other names: c.1302T>A, p.Phe434Leu (NM_001303496.3, NM_001303497.3, NM_001303498.3 and 5 more transcripts); short protein forms F434L.
Identifiers: ClinVar variation 5028925 (VCV005028925.1).

ClinVar aggregate classification (germline): Uncertain significance (1 of 4 stars; one submission).

Conditions:
Inborn genetic diseases. Identifiers: MedGen C0950123, MeSH D030342.

Submission:

Ambry Genetics
Classification: Uncertain significance for Inborn genetic diseases. Last evaluated: 2026-07-28. Review status: criteria provided, single submitter. Criteria: Ambry Variant Classification Scheme 2023. Collection method: clinical testing. Allele origin: germline.
Comment: The p.F434L variant (also known as c.1302T>A), located in coding exon 1 of the SAMD9L gene, results from a T to A substitution at nucleotide position 1302. The phenylalanine at codon 434 is replaced by leucine, an amino acid with highly similar properties. This amino acid position is conserved. In addition, this alteration is predicted to be tolerated by in silico analysis. Based on the available evidence, the clinical significance of this variant remains unclear.